The following is an entry in ClinVar:

ClinVar aggregate classification (germline): Uncertain significance (1 of 4 stars; one submission).

Allele frequency attached by ClinVar (database versions not stated): gnomAD 0.00001; TOPMed 0.00001.
gnomAD v4.1: 7 of 1,593,824 alleles (0.00044%); highest among the groups gnomAD compares: East Asian, 0.0023%; no homozygotes.

Submission:

GeneDx
Classification: Uncertain significance. Last evaluated: 2019-07-02. Review status: criteria provided, single submitter. Criteria: GeneDx Variant Classification Process June 2021. Collection method: clinical testing. Allele origin: germline. Affected: yes.
Comment: In silico analysis, which includes protein predictors and evolutionary conservation, supports a deleterious effect; Has not been previously published as pathogenic or benign to our knowledge

NM_006946.4(SPTBN2):c.1214C>T (p.Ala405Val)

Gene: SPTBN2 (spectrin beta, non-erythrocytic 2; minus strand). Cytogenetic location: 11q13.2.
Variant type: single nucleotide variant.
Coding change: c.1214C>T on transcript NM_006946.4 (MANE Select); coding-DNA position 1214, C replaced by T.
Protein change: p.Ala405Val; replaces alanine 405 with valine.
Molecular consequence: missense variant.
Genome position (GRCh38, 1-based): chr11:66,708,277, G>A on the plus strand (C>T on the coding strand, the complement: SPTBN2 is on the minus strand). VCF-style: chr11-66708277-G-A. GRCh37 (hg19) VCF-style: chr11-66475748-G-A.
Other names: short protein forms A405V.
Identifiers: ClinVar variation 1306502 (VCV001306502.2), dbSNP rs1226702717, ClinGen allele CA381481592.